The following is an entry in ClinVar:

ClinVar aggregate classification (germline): Uncertain significance (1 of 4 stars; one submission).

Conditions:
Pitt-Hopkins-like syndrome 2 (PTHSL2). Identifiers: Orphanet 221150, Orphanet 600663, MedGen C3280479, MONDO:0013690, OMIM 614325.

Allele frequency attached by ClinVar (database versions not stated): gnomAD exomes 0.00001; ExAC 0.00002; TOPMed 0.00014.
gnomAD v4.1: 19 of 1,609,348 alleles (0.0012%); highest among the groups gnomAD compares: African/African-American, 0.025%; no homozygotes.

Submission:

Labcorp Genetics (formerly Invitae), Labcorp
Classification: Uncertain significance for Pitt-Hopkins-like syndrome 2. Last evaluated: 2025-05-17. Review status: criteria provided, single submitter. Criteria: Invitae Variant Classification Sherloc (09022015). Collection method: clinical testing. Allele origin: germline.
Comment: This sequence change replaces aspartic acid, which is acidic and polar, with glutamic acid, which is acidic and polar, at codon 186 of the NRXN1 protein (p.Asp186Glu). This variant is present in population databases (rs772333323, gnomAD 0.03%). This variant has not been reported in the literature in individuals affected with NRXN1-related conditions. ClinVar contains an entry for this variant (Variation ID: 998883). An algorithm developed to predict the effect of missense changes on protein structure and function (PolyPhen-2) suggests that this variant is likely to be disruptive. In summary, the available evidence is currently insufficient to determine the role of this variant in disease. Therefore, it has been classified as a Variant of Uncertain Significance.

NM_001330078.2(NRXN1):c.558C>G (p.Asp186Glu)

Gene: NRXN1 (neurexin 1; minus strand). Cytogenetic location: 2p16.3.
Variant type: single nucleotide variant.
Coding change: c.558C>G on transcript NM_001330078.2 (MANE Select); coding-DNA position 558, C replaced by G.
Protein change: p.Asp186Glu; replaces aspartic acid 186 with glutamic acid.
Molecular consequence: missense variant.
Genome position (GRCh38, 1-based): chr2:51,027,716, G>C on the plus strand (C>G on the coding strand, the complement: NRXN1 is on the minus strand). VCF-style: chr2-51027716-G-C. GRCh37 (hg19) VCF-style: chr2-51254854-G-C.
Other names: c.558C>G, p.Asp186Glu (NM_001135659.3, NM_001330077.2, NM_001330079.2 and 15 more transcripts); short protein forms D186E.
Identifiers: ClinVar variation 998883 (VCV000998883.8), dbSNP rs772333323, ClinGen allele CA1655458.